The following is an entry in ClinVar:

NC_000022.10:g.(?_50678613)_(50682888_?)del

Gene: TUBGCP6 (tubulin gamma complex component 6; minus strand). Cytogenetic location: 22q13.33.
Variant type: Deletion.
Identifiers: ClinVar variation 2426560 (VCV002426560.4).

ClinVar aggregate classification (germline): Pathogenic (1 of 4 stars; one submission).

Submission:

Labcorp Genetics (formerly Invitae), Labcorp
Classification: Pathogenic. Last evaluated: 2023-05-08. Review status: criteria provided, single submitter. Criteria: Invitae Variant Classification Sherloc (09022015). Collection method: clinical testing. Allele origin: germline.
Comment: For these reasons, this variant has been classified as Pathogenic. This variant has not been reported in the literature in individuals affected with TUBGCP6-related conditions. This variant is a gross deletion of the genomic region encompassing exon(s) 1-2 of the TUBGCP6 gene, which includes the initiator codon. This deletion extends beyond the assayed region for this gene and therefore may encompass additional genes. It is expected to result in an absent or disrupted protein product. Loss-of-function variants in TUBGCP6 are known to be pathogenic (PMID: 25344692).

Literature cited by the submitters: PubMed 25344692.